The following is an entry in ClinVar:

ClinVar aggregate classification (germline): Uncertain significance. Review status: criteria provided, multiple submitters, no conflicts (2 of 4 stars). 2 submissions from 2 submitters: Uncertain significance (2). Last evaluated 2025-10-18.

Conditions:
Inborn genetic diseases. Identifiers: MedGen C0950123, MeSH D030342.

gnomAD v4.1: 1 of 1,614,168 alleles (0.000062%); highest among the groups gnomAD compares: Admixed American, 0.0017%; no homozygotes.

Submissions (2):

Ambry Genetics
Classification: Uncertain significance for Inborn genetic diseases. Last evaluated: 2025-10-18. Review status: criteria provided, single submitter. Criteria: Ambry Variant Classification Scheme 2023. Collection method: clinical testing. Allele origin: germline.

Labcorp Genetics (formerly Invitae), Labcorp
Classification: Uncertain significance. Last evaluated: 2025-09-24. Review status: criteria provided, single submitter. Criteria: Invitae Variant Classification Sherloc (09022015). Collection method: clinical testing. Allele origin: germline.
Comment: This sequence change replaces methionine, which is neutral and non-polar, with leucine, which is neutral and non-polar, at codon 45 of the GATAD2B protein (p.Met45Leu). This variant is not present in population databases (gnomAD no frequency). This variant has not been reported in the literature in individuals affected with GATAD2B-related conditions. Invitae Evidence Modeling of protein sequence and biophysical properties (such as structural, functional, and spatial information, amino acid conservation, physicochemical variation, residue mobility, and thermodynamic stability) indicates that this missense variant is not expected to disrupt GATAD2B protein function with a negative predictive value of 80%. In summary, the available evidence is currently insufficient to determine the role of this variant in disease. Therefore, it has been classified as a Variant of Uncertain Significance.

NM_020699.4(GATAD2B):c.133A>T (p.Met45Leu)

Gene: GATAD2B (GATA zinc finger domain containing 2B; minus strand). Cytogenetic location: 1q21.3.
Variant type: single nucleotide variant.
Coding change: c.133A>T on transcript NM_020699.4 (MANE Select); coding-DNA position 133, A replaced by T.
Protein change: p.Met45Leu; replaces methionine 45 with leucine.
Molecular consequence: missense variant.
Genome position (GRCh38, 1-based): chr1:153,828,215, T>A on the plus strand (A>T on the coding strand, the complement: GATAD2B is on the minus strand). VCF-style: chr1-153828215-T-A. GRCh37 (hg19) VCF-style: chr1-153800691-T-A.
Other names: short protein forms M45L.
Identifiers: ClinVar variation 4620660 (VCV004620660.2).
Genomic context (GRCh38, chr1:153,828,215, plus strand): 5'-TGGGTAACTCATGTGGCACCTCAAGATTTGCCAAATCCTTCCTTTTGAGCAATGCCAACA[T>A]TTTCAGACGTTCCATGGCCTCATGCCCCTCCATTTTGAGTCGCTTTGCCAGGACATCATC-3'
Protein context (NP_065750.1, residues 35-55): EGHEAMERLK[Met45Leu]LALLKRKDLA